The following is an entry in ClinVar:

NM_173076.3(ABCA12):c.6037C>T (p.Gln2013Ter)

Genes: ABCA12 (ATP binding cassette subfamily A member 12; minus strand), SNHG31 (small nucleolar RNA host gene 31; plus strand). Cytogenetic location: 2q35.
Variant type: single nucleotide variant.
Coding change: c.6037C>T on transcript NM_173076.3 (MANE Select); coding-DNA position 6037, C replaced by T.
Protein change: p.Gln2013Ter; replaces glutamine 2013 with a stop codon.
Molecular consequence: nonsense. On other transcripts: non-coding transcript variant (1).
Genome position (GRCh38, 1-based): chr2:214,958,357, G>A on the plus strand (C>T on the coding strand, the complement: ABCA12 is on the minus strand). VCF-style: chr2-214958357-G-A. GRCh37 (hg19) VCF-style: chr2-215823081-G-A.
Other names: c.5083C>T, p.Gln1695Ter (NM_015657.4); short protein forms Q2013*, Q1695*.
Identifiers: ClinVar variation 2705444 (VCV002705444.3), dbSNP rs2469168673, ClinGen allele CA350449321.

ClinVar aggregate classification (germline): Pathogenic (1 of 4 stars; one submission).

Submission:

Labcorp Genetics (formerly Invitae), Labcorp
Classification: Pathogenic. Last evaluated: 2023-06-09. Review status: criteria provided, single submitter. Criteria: Invitae Variant Classification Sherloc (09022015). Collection method: clinical testing. Allele origin: germline.
Comment: For these reasons, this variant has been classified as Pathogenic. This variant has not been reported in the literature in individuals affected with ABCA12-related conditions. This variant is not present in population databases (gnomAD no frequency). This sequence change creates a premature translational stop signal (p.Gln2013*) in the ABCA12 gene. It is expected to result in an absent or disrupted protein product. Loss-of-function variants in ABCA12 are known to be pathogenic (PMID: 20672373).

Literature cited by the submitters: PubMed 20672373.